The following is an entry in ClinVar:

ClinVar aggregate classification (germline): Uncertain significance (0 of 4 stars; one submission).

Conditions:
SEMA3G-related disorder. Also called: SEMA3G-related condition.

Submission:

PreventionGenetics, part of Exact Sciences
Classification: Uncertain significance for SEMA3G-related condition. Last evaluated: 2024-03-15. Review status: no assertion criteria provided. Collection method: clinical testing. Allele origin: germline.
Comment: The SEMA3G c.1380_1381delAG variant is predicted to result in a frameshift and premature protein termination (p.Gly461Valfs*15). To our knowledge, this variant has not been reported in the literature or in a large population database, indicating this variant is rare. Loss of function has not been established as a mechanism of SEMA3G-related disease. At this time, the clinical significance of this variant is uncertain due to the absence of conclusive functional and genetic evidence.

NM_020163.3(SEMA3G):c.1380_1381del (p.Gly461fs)

Gene: SEMA3G (semaphorin 3G; minus strand). Cytogenetic location: 3p21.1.
Variant type: Deletion.
Coding change: c.1380_1381del on transcript NM_020163.3 (MANE Select); coding-DNA positions 1380 to 1381, 2 bases deleted (AG; older notation c.1380_1381delAG).
Protein change: p.Gly461fs; shifts the reading frame from glycine 461.
Molecular consequence: frameshift variant.
Genome position (GRCh38, 1-based): chr3:52,439,766-52,439,767, CT deleted on the plus strand (AG on the coding strand, the reverse complement: SEMA3G is on the minus strand). VCF-style (leftmost placement, unchanged base first): chr3-52439765-CCT-C. GRCh37 (hg19) VCF-style: chr3-52473781-CCT-C.
Other names: short protein forms G461fs.
Identifiers: ClinVar variation 3351557 (VCV003351557.1).